The following is an entry in ClinVar:

NM_000083.3(CLCN1):c.1179T>G (p.Tyr393Ter)

Gene: CLCN1 (chloride voltage-gated channel 1; plus strand). Cytogenetic location: 7q34.
Variant type: single nucleotide variant.
Coding change: c.1179T>G on transcript NM_000083.3 (MANE Select); coding-DNA position 1179, T replaced by G.
Protein change: p.Tyr393Ter; replaces tyrosine 393 with a stop codon.
Molecular consequence: nonsense. On other transcripts: non-coding transcript variant (1).
Genome position (GRCh38, 1-based): chr7:143,332,431, T>G. VCF-style: chr7-143332431-T-G. GRCh37 (hg19) VCF-style: chr7-143029524-T-G.
Other names: short protein forms Y393*.
Identifiers: ClinVar variation 2951655 (VCV002951655.3), dbSNP rs1554436799, ClinGen allele CA369643165.

ClinVar aggregate classification (germline): Pathogenic (1 of 4 stars; one submission).

Conditions:
Congenital myotonia, autosomal dominant form (THD). Also called: THOMSEN DISEASE; Myotonia congenita autosomal dominant. Identifiers: Orphanet 614, MedGen C2936781, MONDO:0008055, OMIM 160800.
Congenital myotonia, autosomal recessive form. Also called: BECKER DISEASE; Becker Generalized Myotonia; myotonia congenita, autosomal recessive. Identifiers: Orphanet 614, MedGen C0751360, MONDO:0009715, OMIM 255700.

Submission:

Labcorp Genetics (formerly Invitae), Labcorp
Classification: Pathogenic for Congenital myotonia, autosomal recessive form; Congenital myotonia, autosomal dominant form. Last evaluated: 2023-10-22. Review status: criteria provided, single submitter. Criteria: Invitae Variant Classification Sherloc (09022015). Collection method: clinical testing. Allele origin: germline.
Comment: This sequence change creates a premature translational stop signal (p.Tyr393*) in the CLCN1 gene. It is expected to result in an absent or disrupted protein product. Loss-of-function variants in CLCN1 are known to be pathogenic (PMID: 17932099, 22094069, 23739125). This variant is not present in population databases (gnomAD no frequency). This variant has not been reported in the literature in individuals affected with CLCN1-related conditions. Algorithms developed to predict the effect of sequence changes on RNA splicing suggest that this variant may disrupt the consensus splice site. For these reasons, this variant has been classified as Pathogenic.

Literature cited by the submitters: PubMed 17932099; PubMed 22094069; PubMed 23739125.